The following is an entry in ClinVar:

NM_201253.3(CRB1):c.3166G>C (p.Asp1056His)

Gene: CRB1 (crumbs cell polarity complex component 1; plus strand). Cytogenetic location: 1q31.3.
Variant type: single nucleotide variant.
Coding change: c.3166G>C on transcript NM_201253.3 (MANE Select); coding-DNA position 3166, G replaced by C.
Protein change: p.Asp1056His; replaces aspartic acid 1056 with histidine.
Molecular consequence: missense variant. On other transcripts: non-coding transcript variant (2), intron variant (1).
Genome position (GRCh38, 1-based): chr1:197,435,029, G>C. VCF-style: chr1-197435029-G-C. GRCh37 (hg19) VCF-style: chr1-197404159-G-C.
Other names: c.2830G>C, p.Asp944His (NM_001193640.2); c.3094G>C, p.Asp1032His (NM_001257965.2); c.2129-571G>C (NM_001257966.2); short protein forms D1056H, D944H, D1032H.
Identifiers: ClinVar variation 2144426 (VCV002144426.6), dbSNP rs727503889, ClinGen allele CA344046268.

ClinVar aggregate classification (germline): Conflicting classifications of pathogenicity. Review status: criteria provided, conflicting classifications (1 of 4 stars). 2 submissions from 2 submitters: Likely pathogenic (1); Uncertain significance (1). Last evaluated 2025-07-25.

Conditions:
Retinitis pigmentosa 12 (RP12). Also called: RP WITH OR WITHOUT PPRPE; RP WITH OR WITHOUT PRESERVED PARAARTERIOLE RETINAL PIGMENT EPITHELIUM; RETINITIS PIGMENTOSA WITH OR WITHOUT PARAARTERIOLAR PRESERVATION OF RETINAL PIGMENT EPITHELIUM. Identifiers: Orphanet 791, MedGen C1838647, MONDO:0010818, OMIM 600105.
Leber congenital amaurosis 8 (LCA8). Identifiers: Orphanet 65, MedGen C3151202, MONDO:0013453, OMIM 613835.

Submissions (2):

Women's Health and Genetics/Laboratory Corporation of America, LabCorp
Classification: Uncertain significance. Last evaluated: 2025-07-25. Review status: criteria provided, single submitter. Criteria: LabCorp Variant Classification Summary - May 2015. Collection method: clinical testing. Allele origin: germline.
Comment: Variant summary: CRB1 c.3166G>C (p.Asp1056His) results in a non-conservative amino acid change located in the Laminin G domain (IPR001791) of the encoded protein sequence. Algorithms developed to predict the effect of missense changes on protein structure and function all suggest that this variant is likely to be disruptive. The variant was absent in 251078 control chromosomes. The available data on variant occurrences in the general population are insufficient to allow any conclusion about variant significance. To our knowledge, no occurrence of c.3166G>C in individuals affected with Retinal Dystrophy and no experimental evidence demonstrating its impact on protein function have been reported. ClinVar contains an entry for this variant (Variation ID: 2144426). Based on the evidence outlined above, the variant was classified as uncertain significance.

Labcorp Genetics (formerly Invitae), Labcorp
Classification: Likely pathogenic for Leber congenital amaurosis 8; Retinitis pigmentosa 12. Last evaluated: 2022-05-11. Review status: criteria provided, single submitter. Criteria: Invitae Variant Classification Sherloc (09022015). Collection method: clinical testing. Allele origin: germline.
Comment: Advanced modeling of protein sequence and biophysical properties (such as structural, functional, and spatial information, amino acid conservation, physicochemical variation, residue mobility, and thermodynamic stability) performed at Invitae indicates that this missense variant is expected to disrupt CRB1 protein function. This variant has not been reported in the literature in individuals affected with CRB1-related conditions. This variant is not present in population databases (gnomAD no frequency). This sequence change replaces aspartic acid, which is acidic and polar, with histidine, which is basic and polar, at codon 1056 of the CRB1 protein (p.Asp1056His). This variant disrupts the p.Asp1056 amino acid residue in CRB1. Other variant(s) that disrupt this residue have been determined to be pathogenic (Invitae). This suggests that this residue is clinically significant, and that variants that disrupt this residue are likely to be disease-causing. In summary, the currently available evidence indicates that the variant is pathogenic, but additional data are needed to prove that conclusively. Therefore, this variant has been classified as Likely Pathogenic.